The following is an entry in ClinVar:

NM_006908.5(RAC1):c.212C>T (p.Ser71Phe)

Gene: RAC1 (Rac family small GTPase 1; plus strand). Cytogenetic location: 7p22.1.
Variant type: single nucleotide variant.
Coding change: c.212C>T on transcript NM_006908.5 (MANE Select); coding-DNA position 212, C replaced by T.
Protein change: p.Ser71Phe; replaces serine 71 with phenylalanine.
Molecular consequence: missense variant.
Genome position (GRCh38, 1-based): chr7:6,392,028, C>T. VCF-style: chr7-6392028-C-T. GRCh37 (hg19) VCF-style: chr7-6431659-C-T.
Other names: c.212C>T (NM_018890.3); c.212C>T, p.Ser71Phe (NM_018890.4); short protein forms S71F.
Identifiers: ClinVar variation 1685419 (VCV001685419.2), dbSNP rs2115201430, ClinGen allele CA366761573.
Genomic context (GRCh38, chr7:6,392,028, plus strand): 5'-TGAATCTGGGCTTATGGGATACAGCTGGACAAGAAGATTATGACAGATTACGCCCCCTAT[C>T]CTATCCGCAAACAGTAAGGATTGCAGCTGACTTTTAATGTGTCTTTTAGAGTATATAATT-3'
Protein context (NP_008839.2, residues 61-81): QEDYDRLRPL[Ser71Phe]YPQTDVFLIC

ClinVar aggregate classification (germline): Pathogenic/Likely pathogenic. Review status: criteria provided, multiple submitters, no conflicts (2 of 4 stars). 2 submissions from 2 submitters: Pathogenic (1); Likely pathogenic (1). Last evaluated 2023-02-21.

Conditions:
Intellectual developmental disorder, autosomal dominant 48. Also called: Intellectual disability, autosomal dominant 48; MENTAL RETARDATION, AUTOSOMAL DOMINANT 48. Identifiers: Orphanet 500159, MedGen C4540321, MONDO:0030913, OMIM 617751.

Submissions (2):

GeneDx
Classification: Pathogenic. Last evaluated: 2023-02-21. Review status: criteria provided, single submitter. Criteria: GeneDx Variant Classification Process June 2021. Collection method: clinical testing. Allele origin: germline. Affected: yes.
Comment: Not observed at significant frequency in large population cohorts (gnomAD); In silico analysis supports that this missense variant has a deleterious effect on protein structure/function; Has not been previously published as pathogenic or benign to our knowledge; This variant is associated with the following publications: (PMID: 26176707)

Mendelics
Classification: Likely pathogenic for Intellectual developmental disorder, autosomal dominant 48. Last evaluated: 2022-05-04. Review status: criteria provided, single submitter. Criteria: Mendelics Assertion Criteria 2019. Collection method: clinical testing. Allele origin: germline.